The following is an entry in ClinVar:

ClinVar aggregate classification (germline): Uncertain significance (1 of 4 stars; one submission).

Allele frequency attached by ClinVar (database versions not stated): TOPMed 0.00003; gnomAD 0.00004; ExAC 0.00007; 1000 Genomes Project 30x 0.00031; 1000 Genomes Project 0.00040.
gnomAD v4.1: 69 of 1,613,418 alleles (0.0043%); highest among the groups gnomAD compares: Non-Finnish European, 0.0052%; no homozygotes.

Submission:

Labcorp Genetics (formerly Invitae), Labcorp
Classification: Uncertain significance. Last evaluated: 2025-03-12. Review status: criteria provided, single submitter. Criteria: Invitae Variant Classification Sherloc (09022015). Collection method: clinical testing. Allele origin: germline.
Comment: This sequence change replaces threonine, which is neutral and polar, with methionine, which is neutral and non-polar, at codon 317 of the VPS13C protein (p.Thr317Met). This variant is present in population databases (rs529383497, gnomAD 0.008%). This variant has not been reported in the literature in individuals affected with VPS13C-related conditions. ClinVar contains an entry for this variant (Variation ID: 1348439). Invitae Evidence Modeling of protein sequence and biophysical properties (such as structural, functional, and spatial information, amino acid conservation, physicochemical variation, residue mobility, and thermodynamic stability) indicates that this missense variant is not expected to disrupt VPS13C protein function with a negative predictive value of 80%. In summary, the available evidence is currently insufficient to determine the role of this variant in disease. Therefore, it has been classified as a Variant of Uncertain Significance.

NM_020821.3(VPS13C):c.950C>T (p.Thr317Met)

Gene: VPS13C (vacuolar protein sorting 13 homolog C; minus strand). Cytogenetic location: 15q22.2.
Variant type: single nucleotide variant.
Coding change: c.950C>T on transcript NM_020821.3 (MANE Select); coding-DNA position 950, C replaced by T.
Protein change: p.Thr317Met; replaces threonine 317 with methionine.
Molecular consequence: missense variant.
Genome position (GRCh38, 1-based): chr15:62,010,533, G>A on the plus strand (C>T on the coding strand, the complement: VPS13C is on the minus strand). VCF-style: chr15-62010533-G-A. GRCh37 (hg19) VCF-style: chr15-62302732-G-A.
Other names: c.950C>T, p.Thr317Met (NM_001018088.3); c.821C>T, p.Thr274Met (NM_017684.5, NM_018080.4); short protein forms T274M, T317M.
Identifiers: ClinVar variation 1348439 (VCV001348439.6), dbSNP rs529383497, ClinGen allele CA7597285.